The following is an entry in ClinVar:

ClinVar aggregate classification (germline): Uncertain significance (1 of 4 stars; one submission).

Submission:

GeneDx
Classification: Uncertain significance. Last evaluated: 2026-03-12. Review status: criteria provided, single submitter. Criteria: GeneDx Variant Classification Process June 2021. Collection method: clinical testing. Allele origin: germline.
Comment: Not observed at significant frequency in large population cohorts (gnomAD); In silico analysis supports that this missense variant has a deleterious effect on protein structure/function; Has not been previously published as pathogenic or benign to our knowledge

NM_175914.5(HNF4A):c.782A>G (p.Asp261Gly)

Gene: HNF4A (hepatocyte nuclear factor 4 alpha; plus strand). Cytogenetic location: 20q13.12.
Variant type: single nucleotide variant.
Coding change: c.782A>G on transcript NM_175914.5 (MANE Select); coding-DNA position 782, A replaced by G.
Protein change: p.Asp261Gly; replaces aspartic acid 261 with glycine.
Molecular consequence: missense variant.
Genome position (GRCh38, 1-based): chr20:44,419,832, A>G. VCF-style: chr20-44419832-A-G. GRCh37 (hg19) VCF-style: chr20-43048472-A-G.
Other names: c.848A>G, p.Asp283Gly (NM_000457.6, NM_178849.3, NM_178850.3); c.782A>G, p.Asp261Gly (NM_001030003.3, NM_001030004.3); c.827A>G, p.Asp276Gly (NM_001258355.2); c.773A>G, p.Asp258Gly (NM_001287182.2, NM_001287183.2, NM_001287184.2); short protein forms D258G, D283G, D261G, D276G.
Identifiers: ClinVar variation 5009113 (VCV005009113.1).
Genomic context (GRCh38, chr20:44,419,832, plus strand): 5'-GGGTGTCCATACGCATCCTTGACGAGCTGGTGCTGCCCTTCCAGGAGCTGCAGATCGATG[A>G]CAATGAGTATGCCTACCTCAAAGCCATCATCTTCTTTGACCCAGGTACAGTGCACACCTC-3'
Protein context (NP_787110.2, residues 251-271): VLPFQELQID[Asp261Gly]NEYAYLKAII